The following is an entry in ClinVar:

ClinVar aggregate classification (germline): Uncertain significance (1 of 4 stars; one submission).

Conditions:
Inborn genetic diseases. Identifiers: MedGen C0950123, MeSH D030342.

gnomAD v4.1: 13 of 1,614,028 alleles (0.00081%); highest among the groups gnomAD compares: Non-Finnish European, 0.0011%; no homozygotes.

Submission:

Ambry Genetics
Classification: Uncertain significance for Inborn genetic diseases. Last evaluated: 2024-11-22. Review status: criteria provided, single submitter. Criteria: Ambry Variant Classification Scheme 2023. Collection method: clinical testing. Allele origin: germline.
Comment: The p.S39I variant (also known as c.116G>T), located in coding exon 1 of the SAMD9L gene, results from a G to T substitution at nucleotide position 116. The serine at codon 39 is replaced by isoleucine, an amino acid with dissimilar properties. This amino acid position is conserved. In addition, this alteration is predicted to be tolerated by in silico analysis. Based on the available evidence, the clinical significance of this variant remains unclear.

NM_152703.5(SAMD9L):c.116G>T (p.Ser39Ile)

Gene: SAMD9L (sterile alpha motif domain containing 9 like; minus strand). Cytogenetic location: 7q21.2.
Variant type: single nucleotide variant.
Coding change: c.116G>T on transcript NM_152703.5 (MANE Select); coding-DNA position 116, G replaced by T.
Protein change: p.Ser39Ile; replaces serine 39 with isoleucine.
Molecular consequence: missense variant.
Genome position (GRCh38, 1-based): chr7:93,135,856, C>A on the plus strand (G>T on the coding strand, the complement: SAMD9L is on the minus strand). VCF-style: chr7-93135856-C-A. GRCh37 (hg19) VCF-style: chr7-92765169-C-A.
Other names: c.116G>T, p.Ser39Ile (NM_001303496.3, NM_001303497.3, NM_001303498.3 and 5 more transcripts); short protein forms S39I.
Identifiers: ClinVar variation 3437159 (VCV003437159.1).